The following is an entry in ClinVar:

NM_005751.5(AKAP9):c.6568C>G (p.Gln2190Glu)

Gene: AKAP9 (A-kinase anchoring protein 9; plus strand). Cytogenetic location: 7q21.2.
Variant type: single nucleotide variant.
Coding change: c.6568C>G on transcript NM_005751.5 (MANE Select); coding-DNA position 6568, C replaced by G.
Protein change: p.Gln2190Glu; replaces glutamine 2190 with glutamic acid.
Molecular consequence: missense variant.
Genome position (GRCh38, 1-based): chr7:92,070,965, C>G. VCF-style: chr7-92070965-C-G. GRCh37 (hg19) VCF-style: chr7-91700279-C-G.
Other names: c.1213C>G, p.Gln405Glu (NM_001379277.1); c.6544C>G, p.Gln2182Glu (NM_147185.3); short protein forms Q405E, Q2182E, Q2190E.
Identifiers: ClinVar variation 2449787 (VCV002449787.4), dbSNP rs1223177321, ClinGen allele CA368134495.

ClinVar aggregate classification (germline): Uncertain significance. Review status: criteria provided, multiple submitters, no conflicts (2 of 4 stars). 2 submissions from 2 submitters: Uncertain significance (2). Last evaluated 2024-08-01.

Conditions:
Long QT syndrome (LQTS). Identifiers: MedGen C0023976, MeSH D008133, MONDO:0002442. Disease mechanism: loss of function. Inheritance: Various modes of inheritance.
Cardiovascular phenotype. Identifiers: MedGen CN230736.

Allele frequency attached by ClinVar (database versions not stated): TOPMed below 0.00001; gnomAD 0.00001; gnomAD exomes 0.00001.
gnomAD v4.1: 4 of 1,613,728 alleles (0.00025%); highest among the groups gnomAD compares: Admixed American, 0.0033%; no homozygotes.

Submissions (2):

Labcorp Genetics (formerly Invitae), Labcorp
Classification: Uncertain significance for Long QT syndrome. Last evaluated: 2024-08-01. Review status: criteria provided, single submitter. Criteria: Invitae Variant Classification Sherloc (09022015). Collection method: clinical testing. Allele origin: germline.
Comment: This sequence change replaces glutamine, which is neutral and polar, with glutamic acid, which is acidic and polar, at codon 2190 of the AKAP9 protein (p.Gln2190Glu). The frequency data for this variant in the population databases is considered unreliable, as metrics indicate poor data quality at this position in the gnomAD database. This variant has not been reported in the literature in individuals affected with AKAP9-related conditions. ClinVar contains an entry for this variant (Variation ID: 2449787). An algorithm developed to predict the effect of missense changes on protein structure and function (PolyPhen-2) suggests that this variant is likely to be disruptive. In summary, the available evidence is currently insufficient to determine the role of this variant in disease. Therefore, it has been classified as a Variant of Uncertain Significance.

Ambry Genetics
Classification: Uncertain significance for Cardiovascular phenotype. Last evaluated: 2023-02-19. Review status: criteria provided, single submitter. Criteria: Ambry Variant Classification Scheme 2023. Collection method: clinical testing. Allele origin: germline.
Comment: The p.Q2190E variant (also known as c.6568C>G), located in coding exon 28 of the AKAP9 gene, results from a C to G substitution at nucleotide position 6568. The glutamine at codon 2190 is replaced by glutamic acid, an amino acid with highly similar properties. This amino acid position is conserved. In addition, this alteration is predicted to be tolerated by in silico analysis. The evidence for this gene-disease relationship is limited; therefore, the clinical significance of this alteration is unclear.